The following is an entry in ClinVar:

ClinVar aggregate classification (germline): Likely benign. Review status: criteria provided, multiple submitters, no conflicts (2 of 4 stars). 3 submissions from 3 submitters: Likely benign (2). 1 of the submissions does not count toward it. Last evaluated 2026-01-16.

Conditions:
TTN-related disorder. Also called: TTN-related condition; TTN-related disease; TTN-related disorders.
Cardiovascular phenotype. Identifiers: MedGen CN230736.
Dilated cardiomyopathy 1G (CMD1G). Identifiers: Orphanet 154, MedGen C1858763, MONDO:0011400, OMIM 604145.
Autosomal recessive limb-girdle muscular dystrophy type 2J (LGMDR10). Also called: MUSCULAR DYSTROPHY, LIMB-GIRDLE, AUTOSOMAL RECESSIVE 10; Limb-girdle muscular dystrophy, type 2J. Identifiers: Orphanet 140922, MedGen C1837342, MONDO:0012127, OMIM 608807.

Allele frequency attached by ClinVar (database versions not stated): gnomAD exomes 0.00002.
gnomAD v4.1: 26 of 1,611,504 alleles (0.0016%); highest among the groups gnomAD compares: Non-Finnish European, 0.0021%; no homozygotes.

Submissions (3):

Labcorp Genetics (formerly Invitae), Labcorp
Classification: Likely benign for Dilated cardiomyopathy 1G; Autosomal recessive limb-girdle muscular dystrophy type 2J. Last evaluated: 2026-01-16. Review status: criteria provided, single submitter. Criteria: Invitae Variant Classification Sherloc (09022015). Collection method: clinical testing. Allele origin: germline.

Ambry Genetics
Classification: Likely benign for Cardiovascular phenotype. Last evaluated: 2019-05-09. Review status: criteria provided, single submitter. Criteria: Ambry Variant Classification Scheme 2023. Collection method: clinical testing. Allele origin: germline.

PreventionGenetics, part of Exact Sciences
Classification: Likely benign for TTN-related condition. Last evaluated: 2023-11-19. Review status: no assertion criteria provided. Collection method: clinical testing. Allele origin: germline. Not counted in ClinVar's aggregate classification.
Comment: This variant is classified as likely benign based on ACMG/AMP sequence variant interpretation guidelines (Richards et al. 2015 PMID: 25741868, with internal and published modifications).

NM_001267550.2(TTN):c.46779C>T (p.Ala15593=)

Genes: TTN-AS1 (TTN antisense RNA 1; plus strand), TTN (titin; minus strand). Cytogenetic location: 2q31.2.
Variant type: single nucleotide variant.
Coding change: c.46779C>T on transcript NM_001267550.2 (MANE Select); coding-DNA position 46779, C replaced by T.
Protein change: p.Ala15593=; no amino-acid change (alanine 15593 retained).
Molecular consequence: synonymous variant.
Genome position (GRCh38, 1-based): chr2:178,618,771, G>A on the plus strand (C>T on the coding strand, the complement: TTN is on the minus strand). VCF-style: chr2-178618771-G-A. GRCh37 (hg19) VCF-style: chr2-179483498-G-A.
Other names: c.41856C>T, p.Ala13952= (NM_001256850.1); c.19584C>T, p.Ala6528= (NM_003319.4); c.39075C>T, p.Ala13025= (NM_133378.4); c.19959C>T, p.Ala6653= (NM_133432.3); c.20160C>T, p.Ala6720= (NM_133437.4).
Identifiers: ClinVar variation 698347 (VCV000698347.12), dbSNP rs1206473213, ClinGen allele CA430108362.
Genomic context (GRCh38, chr2:178,618,771, plus strand): 5'-AATGGTTTTTGTAGATAAAGGTTCATTTTCTTTAAACCATTCAGCTTCTGCTTTGGGGTA[G>A]GCATCATATGGCACCACCATTGTCAGAGGCTTGCCAACATCAACCACAAGGTCTTGGTCA-3'
Protein context (NP_001254479.2, residues 15583-15603): KPLTMVVPYD[Ala15593=]YPKAEAEWFK